The following is an entry in ClinVar:

ClinVar aggregate classification (germline): Uncertain significance (1 of 4 stars; one submission).

Submission:

Labcorp Genetics (formerly Invitae), Labcorp
Classification: Uncertain significance. Last evaluated: 2023-06-03. Review status: criteria provided, single submitter. Criteria: Invitae Variant Classification Sherloc (09022015). Collection method: clinical testing. Allele origin: germline.
Comment: This sequence change replaces glycine, which is neutral and non-polar, with valine, which is neutral and non-polar, at codon 863 of the HMCN1 protein (p.Gly863Val). In summary, the available evidence is currently insufficient to determine the role of this variant in disease. Therefore, it has been classified as a Variant of Uncertain Significance. An algorithm developed to predict the effect of missense changes on protein structure and function (PolyPhen-2) suggests that this variant is likely to be disruptive. This variant has not been reported in the literature in individuals affected with HMCN1-related conditions. Information on the frequency of this variant in the gnomAD database is not available, as this variant may be reported differently in the database.

NM_031935.3(HMCN1):c.2588_2589delinsTG (p.Gly863Val)

Gene: HMCN1 (hemicentin 1; plus strand). Cytogenetic location: 1q31.1.
Variant type: Indel.
Coding change: c.2588_2589delinsTG on transcript NM_031935.3 (MANE Select); coding-DNA positions 2588 to 2589, GA replaced by TG.
Protein change: p.Gly863Val; replaces glycine 863 with valine.
Molecular consequence: missense variant.
Genome position (GRCh38, 1-based): chr1:185,980,999-185,981,000, GA replaced by TG. VCF-style: chr1-185980999-GA-TG. GRCh37 (hg19) VCF-style: chr1-185950131-GA-TG.
Other names: short protein forms G863V.
Identifiers: ClinVar variation 2760852 (VCV002760852.3), dbSNP rs2527349833, ClinGen allele CA2697554784.